The following is an entry in ClinVar:

NM_001348800.3(ZBTB20):c.616G>A (p.Asp206Asn)

Gene: ZBTB20 (zinc finger and BTB domain containing 20; minus strand). Cytogenetic location: 3q13.31.
Variant type: single nucleotide variant.
Coding change: c.616G>A on transcript NM_001348800.3 (MANE Select); coding-DNA position 616, G replaced by A.
Protein change: p.Asp206Asn; replaces aspartic acid 206 with asparagine.
Molecular consequence: missense variant.
Genome position (GRCh38, 1-based): chr3:114,351,462, C>T on the plus strand (G>A on the coding strand, the complement: ZBTB20 is on the minus strand). VCF-style: chr3-114351462-C-T. GRCh37 (hg19) VCF-style: chr3-114070309-C-T.
Other names: c.616G>A, p.Asp206Asn (NM_001164342.2, NM_001348803.3, NM_001393393.1 and 1 more transcripts); c.397G>A, p.Asp133Asn (NM_001164343.2, NM_001164344.4, NM_001164345.4 and 9 more transcripts); short protein forms D206N, D133N.
Identifiers: ClinVar variation 429583 (VCV000429583.3), dbSNP rs779190582, ClinGen allele CA2551413.
Genomic context (GRCh38, chr3:114,351,462, plus strand): 5'-CGCTGCTCTGGCCTGACGTGCCTGACTCGGGAGTGCCCCGCGGCGTGTCCTGGCCCGAGT[C>T]CTGGATCCCCGGGAACACATCGCCCACGTTCTGTGACACGATGCGCGTGCACTCGTCGAT-3'
Protein context (NP_001335729.1, residues 196-216): NVGDVFPGIQ[Asp206Asn]SGQDTPRGTP

ClinVar aggregate classification (germline): Conflicting classifications of pathogenicity. Review status: criteria provided, conflicting classifications (1 of 4 stars). 2 submissions from 2 submitters: Likely pathogenic (1); Uncertain significance (1). Last evaluated 2023-10-11.

Allele frequency attached by ClinVar (database versions not stated): gnomAD below 0.00001 and 0.00001; ExAC 0.00001; gnomAD exomes 0.00001.

Submissions (2):

Women's Health and Genetics/Laboratory Corporation of America, LabCorp
Classification: Uncertain significance. Last evaluated: 2023-10-11. Review status: criteria provided, single submitter. Criteria: LabCorp Variant Classification Summary - May 2015. Collection method: clinical testing. Allele origin: germline.
Comment: Variant summary: ZBTB20 c.616G>A (p.Asp206Asn) results in a conservative amino acid change in the encoded protein sequence. Three of five in-silico tools predict a benign effect of the variant on protein function. The variant allele was found at a frequency of 1.2e-05 in 250564 control chromosomes. The available data on variant occurrences in the general population are insufficient to allow any conclusion about variant significance. To our knowledge, no occurrence of c.616G>A in individuals affected with Intellectual Disability-Cataracts Pinnae-Myopathy Syndrome and no experimental evidence demonstrating its impact on protein function have been reported. One submitter has cited clinical-significance assessments for this variant to ClinVar after 2014 and has classified the variant as likely pathogenic. Based on the evidence outlined above, the variant was classified as uncertain significance.

GeneDx
Classification: Likely pathogenic. Last evaluated: 2015-09-18. Review status: criteria provided, single submitter. Criteria: GeneDx Variant Classification (06012015). Collection method: clinical testing. Allele origin: germline. Affected: yes.
Comment: The D206N variant in the ZBTB20 gene has not been published as a pathogenic variant, nor has it been reported as a benign polymorphism to our knowledge. The D206N variant was not observed in approximately 6500 individuals of European and African American ancestry in the NHLBI Exome Sequencing Project, indicating it is not a common benign variant in these populations. Although in silico analysis is inconsistent in its predictions as to whether or not the variant is damaging to the protein structure/function, the D206N variant is a semi-conservative amino acid substitution, which may impact secondary protein structure as these residues differ in some properties. This substitution occurs at a position that is conserved in mammals. The D206N variant is a strong candidate for a pathogenic variant. We interpret D206N as a likely pathogenic variant. However, the possibility it may be a rare benign variant cannot be excluded.